The following is an entry in ClinVar:

NM_015559.3(SETBP1):c.2917A>T (p.Ser973Cys)

Gene: SETBP1 (SET binding protein 1; plus strand). Cytogenetic location: 18q12.3.
Variant type: single nucleotide variant.
Coding change: c.2917A>T on transcript NM_015559.3 (MANE Select); coding-DNA position 2917, A replaced by T.
Protein change: p.Ser973Cys; replaces serine 973 with cysteine.
Molecular consequence: missense variant.
Genome position (GRCh38, 1-based): chr18:44,952,257, A>T. VCF-style: chr18-44952257-A-T. GRCh37 (hg19) VCF-style: chr18-42532222-A-T.
Other names: c.2917A>T, p.Ser973Cys (NM_001379141.1, NM_001379142.1); short protein forms S973C.
Identifiers: ClinVar variation 1030515 (VCV001030515.28), dbSNP rs2071375286, ClinGen allele CA402322610.

ClinVar aggregate classification (germline): Uncertain significance. Review status: criteria provided, multiple submitters, no conflicts (2 of 4 stars). 3 submissions from 3 submitters: Uncertain significance (3). Last evaluated 2023-12-01.

Conditions:
Schinzel-Giedion syndrome (SGS). Identifiers: Orphanet 798, MedGen C0265227, MONDO:0010010, OMIM 269150.

Allele frequency attached by ClinVar (database versions not stated): gnomAD exomes below 0.00001.
gnomAD v4.1: 2 of 1,614,164 alleles (0.00012%); highest among the groups gnomAD compares: South Asian, 0.0022%; no homozygotes.

Submissions (3):

CeGaT Center for Human Genetics Tuebingen
Classification: Uncertain significance. Last evaluated: 2023-12-01. Review status: criteria provided, single submitter. Criteria: CeGaT Center For Human Genetics Tuebingen Variant Classification Criteria Version 2. Collection method: clinical testing. Allele origin: germline. Affected: yes. Observed: 1 variant allele.
Comment: SETBP1: PM2

Baylor Genetics
Classification: Uncertain significance for Schinzel-Giedion syndrome. Last evaluated: 2019-08-29. Review status: criteria provided, single submitter. Criteria: ACMG Guidelines, 2015. Collection method: clinical testing. Allele origin: unknown. Affected: yes.
Comment: This variant was determined to be of uncertain significance according to ACMG Guidelines, 2015 [PMID:25741868].

Mayo Clinic Laboratories, Mayo Clinic
Classification: Uncertain significance. Last evaluated: 2019-04-07. Review status: criteria provided, single submitter. Criteria: ACMG Guidelines, 2015. Collection method: clinical testing. Allele origin: germline. Observed: 1 variant allele.